The following is an entry in ClinVar:

NM_000392.5(ABCC2):c.3188A>G (p.Asn1063Ser)

Gene: ABCC2 (ATP binding cassette subfamily C member 2; plus strand). Cytogenetic location: 10q24.2.
Variant type: single nucleotide variant.
Coding change: c.3188A>G on transcript NM_000392.5 (MANE Select); coding-DNA position 3188, A replaced by G.
Protein change: p.Asn1063Ser; replaces asparagine 1063 with serine.
Molecular consequence: missense variant.
Genome position (GRCh38, 1-based): chr10:99,832,061, A>G. VCF-style: chr10-99832061-A-G. GRCh37 (hg19) VCF-style: chr10-101591818-A-G.
Other names: c.3188A>G, p.Asn1063Ser (LRG_1208t1); short protein forms N1063S.
Identifiers: ClinVar variation 282327 (VCV000282327.59), dbSNP rs17222540, ClinGen allele CA5643713.

ClinVar aggregate classification (germline): Conflicting classifications of pathogenicity. Review status: criteria provided, conflicting classifications (1 of 4 stars). 6 submissions from 6 submitters: Uncertain significance (1); Likely benign (4). 1 of the submissions does not count toward it. Last evaluated 2025-12-04.

Conditions:
ABCC2-related disorder. Also called: ABCC2-related condition.
Dubin-Johnson syndrome (DJS). Also called: HYPERBILIRUBINEMIA, DUBIN-JOHNSON TYPE; Jaundice, Chronic Idiopathic; Hyperbilirubinemia type 2. Identifiers: Orphanet 234, MedGen C0022350, MONDO:0009380, OMIM 237500.

Allele frequency attached by ClinVar (database versions not stated): gnomAD exomes 0.00011 and 0.00038; ExAC 0.00048; 1000 Genomes Project 0.00060; 1000 Genomes Project 30x 0.00078; ESP Exome Variant Server 0.00146; gnomAD 0.00149 and 0.00165; TOPMed 0.00177.
gnomAD v4.1: 410 of 1,614,214 alleles (0.025%); highest among the groups gnomAD compares: African/African-American, 0.47%; no homozygotes.

Submissions (6):

Labcorp Genetics (formerly Invitae), Labcorp
Classification: Likely benign. Last evaluated: 2025-12-04. Review status: criteria provided, single submitter. Criteria: Invitae Variant Classification Sherloc (09022015). Collection method: clinical testing. Allele origin: germline.

Mayo Clinic Laboratories, Mayo Clinic
Classification: Likely benign. Last evaluated: 2025-08-12. Review status: criteria provided, single submitter. Criteria: ACMG Guidelines, 2015. Collection method: clinical testing. Allele origin: germline. Observed: 1 variant allele.
Comment: BS1

CeGaT Center for Human Genetics Tuebingen
Classification: Likely benign. Last evaluated: 2018-07-01. Review status: criteria provided, single submitter. Criteria: CeGaT Center For Human Genetics Tuebingen Variant Classification Criteria Version 2. Collection method: clinical testing. Allele origin: germline. Affected: yes. Observed: 2 variant alleles.

Illumina Laboratory Services, Illumina
Classification: Uncertain significance for Dubin-Johnson syndrome. Last evaluated: 2017-04-27. Review status: criteria provided, single submitter. Criteria: ICSL Variant Classification Criteria 13 December 2019. Collection method: clinical testing. Allele origin: germline.

Eurofins Ntd Llc (ga)
Classification: Likely benign. Last evaluated: 2015-08-13. Review status: criteria provided, single submitter. Criteria: EGL Classification Definitions 2015. Collection method: clinical testing. Allele origin: germline. Observed: 1 variant allele, 1 heterozygote.

PreventionGenetics, part of Exact Sciences
Classification: Likely benign for ABCC2-related condition. Last evaluated: 2021-03-29. Review status: no assertion criteria provided. Collection method: clinical testing. Allele origin: germline. Not counted in ClinVar's aggregate classification.
Comment: This variant is classified as likely benign based on ACMG/AMP sequence variant interpretation guidelines (Richards et al. 2015 PMID: 25741868, with internal and published modifications).